The following is an entry in ClinVar:

NM_182977.3(NNT):c.2729C>T (p.Thr910Met)

Gene: NNT (nicotinamide nucleotide transhydrogenase; plus strand). Cytogenetic location: 5p12.
Variant type: single nucleotide variant.
Coding change: c.2729C>T on transcript NM_182977.3 (MANE Select); coding-DNA position 2729, C replaced by T.
Protein change: p.Thr910Met; replaces threonine 910 with methionine.
Molecular consequence: missense variant.
Genome position (GRCh38, 1-based): chr5:43,675,605, C>T. VCF-style: chr5-43675605-C-T. GRCh37 (hg19) VCF-style: chr5-43675707-C-T.
Other names: c.2336C>T, p.Thr779Met (NM_001331026.2); c.2729C>T, p.Thr910Met (NM_012343.4); short protein forms T779M, T910M.
Identifiers: ClinVar variation 1995776 (VCV001995776.1), dbSNP rs141643354, ClinGen allele CA3258305.

ClinVar aggregate classification (germline): Uncertain significance (1 of 4 stars; one submission).

Allele frequency attached by ClinVar (database versions not stated): ExAC 0.00002; gnomAD exomes 0.00003; ESP Exome Variant Server 0.00008; gnomAD 0.00011; TOPMed 0.00013.
gnomAD v4.1: 63 of 1,612,560 alleles (0.0039%); highest among the groups gnomAD compares: African/African-American, 0.031%; no homozygotes.

Submission:

Labcorp Genetics (formerly Invitae), Labcorp
Classification: Uncertain significance. Last evaluated: 2022-05-27. Review status: criteria provided, single submitter. Criteria: Invitae Variant Classification Sherloc (09022015). Collection method: clinical testing. Allele origin: germline.
Comment: This sequence change replaces threonine, which is neutral and polar, with methionine, which is neutral and non-polar, at codon 910 of the NNT protein (p.Thr910Met). This variant is present in population databases (rs141643354, gnomAD 0.01%). This variant has not been reported in the literature in individuals affected with NNT-related conditions. Algorithms developed to predict the effect of missense changes on protein structure and function are either unavailable or do not agree on the potential impact of this missense change (SIFT: "Deleterious"; PolyPhen-2: "Probably Damaging"; Align-GVGD: "Class C0"). In summary, the available evidence is currently insufficient to determine the role of this variant in disease. Therefore, it has been classified as a Variant of Uncertain Significance.